The following is an entry in ClinVar:

ClinVar aggregate classification (germline): Uncertain significance (1 of 4 stars; one submission).

Conditions:
Desmin-related myofibrillar myopathy (MFM1). Also called: Myofibrillar myopathy 1; Desminopathy; MYOFIBRILLAR MYOPATHY WITH ARRHYTHMOGENIC RIGHT VENTRICULAR CARDIOMYOPATHY; DESMIN-RELATED MYOPATHY WITH ARRHYTHMOGENIC RIGHT VENTRICULAR CARDIOMYOPATHY; Desmin related myopathy (former name); Desmin storage myopathy (former name). Identifiers: Orphanet 363543, Orphanet 98909, MedGen C1832370, MONDO:0011076, OMIM 601419.

Allele frequency attached by ClinVar (database versions not stated): gnomAD exomes below 0.00001 and 0.00001.
gnomAD v4.1: 1 of 1,560,432 alleles (0.000064%); highest among the groups gnomAD compares: South Asian, 0.0012%; no homozygotes.

Submission:

Labcorp Genetics (formerly Invitae), Labcorp
Classification: Uncertain significance for Desmin-related myofibrillar myopathy. Last evaluated: 2020-06-12. Review status: criteria provided, single submitter. Criteria: Invitae Variant Classification Sherloc (09022015). Collection method: clinical testing. Allele origin: germline.
Comment: This variant has not been reported in the literature in individuals with DES-related conditions. The frequency data for this variant in the population databases is considered unreliable, as metrics indicate insufficient coverage at this position in the ExAC database. This sequence change replaces glutamic acid with lysine at codon 157 of the DES protein (p.Glu157Lys). The glutamic acid residue is highly conserved and there is a small physicochemical difference between glutamic acid and lysine. Algorithms developed to predict the effect of missense changes on protein structure and function are either unavailable or do not agree on the potential impact of this missense change (SIFT: "Tolerated"; PolyPhen-2: "Possibly Damaging"; Align-GVGD: "Class C0"). In summary, the available evidence is currently insufficient to determine the role of this variant in disease. Therefore, it has been classified as a Variant of Uncertain Significance.

NM_001927.4(DES):c.469G>A (p.Glu157Lys)

Gene: DES (desmin; plus strand). Cytogenetic location: 2q35.
Variant type: single nucleotide variant.
Coding change: c.469G>A on transcript NM_001927.4 (MANE Select); coding-DNA position 469, G replaced by A.
Protein change: p.Glu157Lys; replaces glutamic acid 157 with lysine.
Molecular consequence: missense variant.
Genome position (GRCh38, 1-based): chr2:219,418,931, G>A. VCF-style: chr2-219418931-G-A. GRCh37 (hg19) VCF-style: chr2-220283653-G-A.
Other names: c.469G>A, p.Glu157Lys (NM_001382708.1, NM_001382709.1, NM_001382710.1 and 3 more transcripts); short protein forms E157K.
Identifiers: ClinVar variation 1024317 (VCV001024317.9), dbSNP rs1265299630, ClinGen allele CA350686483.